The following is an entry in ClinVar:

NM_032608.7(MYO18B):c.6288-6T>C

Gene: MYO18B (myosin XVIIIB; plus strand). Cytogenetic location: 22q12.1.
Variant type: single nucleotide variant.
Coding change: c.6288-6T>C on transcript NM_032608.7 (MANE Select); 6 bases into the intron before coding-DNA position 6288, T replaced by C.
Molecular consequence: intron variant.
Genome position (GRCh38, 1-based): chr22:26,003,259, T>C. VCF-style: chr22-26003259-T-C. GRCh37 (hg19) VCF-style: chr22-26399225-T-C.
Other names: c.6291-6T>C (NM_001318245.2).
Identifiers: ClinVar variation 716251 (VCV000716251.12), dbSNP rs73883014, ClinGen allele CA10161478.

ClinVar aggregate classification (germline): Benign. Review status: criteria provided, single submitter (1 of 4 stars). 2 submissions from 2 submitters: Benign (1). 1 of the submissions does not count toward it. Last evaluated 2026-02-03.

Conditions:
MYO18B-related disorder. Also called: MYO18B-related condition.

Allele frequency attached by ClinVar (database versions not stated): gnomAD exomes 0.00044 and 0.00122; ExAC 0.00226; ESP Exome Variant Server 0.00392; gnomAD 0.00470 and 0.00501; TOPMed 0.00515; 1000 Genomes Project 0.00599; 1000 Genomes Project 30x 0.00609.
gnomAD v4.1: 1,397 of 1,607,950 alleles (0.087%); highest among the groups gnomAD compares: African/African-American, 1.5%; 10 homozygotes.

Submissions (2):

Labcorp Genetics (formerly Invitae), Labcorp
Classification: Benign. Last evaluated: 2026-02-03. Review status: criteria provided, single submitter. Criteria: Invitae Variant Classification Sherloc (09022015). Collection method: clinical testing. Allele origin: germline.

PreventionGenetics, part of Exact Sciences
Classification: Benign for MYO18B-related condition. Last evaluated: 2019-07-19. Review status: no assertion criteria provided. Collection method: clinical testing. Allele origin: germline. Not counted in ClinVar's aggregate classification.
Comment: This variant is classified as benign based on ACMG/AMP sequence variant interpretation guidelines (Richards et al. 2015 PMID: 25741868, with internal and published modifications).